The following is an entry in ClinVar:

ClinVar aggregate classification (germline): Uncertain significance (1 of 4 stars; one submission).

Conditions:
Facioscapulohumeral muscular dystrophy 2 (FSHD2). Also called: MUSCULAR DYSTROPHY, FACIOSCAPULOHUMERAL, TYPE 1B; FACIOSCAPULOHUMERAL MUSCULAR DYSTROPHY 2, DIGENIC; FSHD2, DIGENIC. Identifiers: Orphanet 269, MedGen C1834671, MONDO:0008031, OMIM 158901.

Submission:

Labcorp Genetics (formerly Invitae), Labcorp
Classification: Uncertain significance for Facioscapulohumeral muscular dystrophy 2. Last evaluated: 2025-07-02. Review status: criteria provided, single submitter. Criteria: Invitae Variant Classification Sherloc (09022015). Collection method: clinical testing. Allele origin: germline.
Comment: This sequence change replaces arginine, which is basic and polar, with isoleucine, which is neutral and non-polar, at codon 164 of the SMCHD1 protein (p.Arg164Ile). This variant is not present in population databases (gnomAD no frequency). This variant has not been reported in the literature in individuals affected with SMCHD1-related conditions. Invitae Evidence Modeling of protein sequence and biophysical properties (such as structural, functional, and spatial information, amino acid conservation, physicochemical variation, residue mobility, and thermodynamic stability) indicates that this missense variant is not expected to disrupt SMCHD1 protein function with a negative predictive value of 80%. In summary, the available evidence is currently insufficient to determine the role of this variant in disease. Therefore, it has been classified as a Variant of Uncertain Significance.

NM_015295.3(SMCHD1):c.491G>T (p.Arg164Ile)

Gene: SMCHD1 (structural maintenance of chromosomes flexible hinge domain containing 1; plus strand). Cytogenetic location: 18p11.32.
Variant type: single nucleotide variant.
Coding change: c.491G>T on transcript NM_015295.3 (MANE Select); coding-DNA position 491, G replaced by T.
Protein change: p.Arg164Ile; replaces arginine 164 with isoleucine.
Molecular consequence: missense variant.
Genome position (GRCh38, 1-based): chr18:2,673,347, G>T. VCF-style: chr18-2673347-G-T. GRCh37 (hg19) VCF-style: chr18-2673346-G-T.
Other names: short protein forms R164I.
Identifiers: ClinVar variation 4740331 (VCV004740331.1).